The following is an entry in ClinVar:

ClinVar aggregate classification (germline): Uncertain significance. Review status: criteria provided, multiple submitters, no conflicts (2 of 4 stars). 2 submissions from 2 submitters: Uncertain significance (2). Last evaluated 2025-04-05.

Conditions:
Neurodevelopmental disorder with structural brain anomalies and dysmorphic facies (NEDBAF). Identifiers: Orphanet 659609, MedGen C5231416, MONDO:0032820, OMIM 618577.
Inborn genetic diseases. Identifiers: MedGen C0950123, MeSH D030342.

gnomAD v4.1: 54 of 1,612,856 alleles (0.0033%); highest among the groups gnomAD compares: Middle Eastern, 0.017%; no homozygotes.

Submissions (2):

Ambry Genetics
Classification: Uncertain significance for Inborn genetic diseases. Last evaluated: 2025-04-05. Review status: criteria provided, single submitter. Criteria: Ambry Variant Classification Scheme 2023. Collection method: clinical testing. Allele origin: germline.

Neuberg Centre For Genomic Medicine, NCGM
Classification: Uncertain significance for Neurodevelopmental disorder with structural brain anomalies and dysmorphic facies. Review status: criteria provided, single submitter. Criteria: ACMG Guidelines, 2015. Collection method: clinical testing. Allele origin: germline. Inheritance: Autosomal dominant inheritance. Affected: yes.
Comment: The missense variant c.389G>A (p.Arg130Gln) in the RAC3 gene has not been reported previously as a pathogenic variant nor as a benign variant, to our knowledge. This variant is reported with the allele frequency (0.001%) in the gnomAD Exomes. The amino acid Arg at position 130 is changed to a Gln changing protein sequence and it might alter its composition and physico-chemical properties. Computational evidence (Polyphen, SIFT and MutationTaster) predicts conflicting evidence on protein structure and function for this variant. The amino acid change p.Arg130Gln in RAC3 is predicted as conserved by GERP++ and PhyloP across 100 vertebrates. For these reasons, this variant has been classified as Uncertain Significance.

NM_005052.3(RAC3):c.389G>A (p.Arg130Gln)

Gene: RAC3 (Rac family small GTPase 3; plus strand). Cytogenetic location: 17q25.3.
Variant type: single nucleotide variant.
Coding change: c.389G>A on transcript NM_005052.3 (MANE Select); coding-DNA position 389, G replaced by A.
Protein change: p.Arg130Gln; replaces arginine 130 with glutamine.
Molecular consequence: missense variant.
Genome position (GRCh38, 1-based): chr17:82,033,540, G>A. VCF-style: chr17-82033540-G-A. GRCh37 (hg19) VCF-style: chr17-79991416-G-A.
Other names: c.389G>A, p.Arg130Gln (NM_001316307.2); c.389G>A (NM_005052.2); short protein forms R130Q.
Identifiers: ClinVar variation 3377716 (VCV003377716.2).
Genomic context (GRCh38, chr17:82,033,540, plus strand): 5'-TCCTCCTGGTGGGCACCAAGCTGGACCTCCGCGACGACAAGGACACCATTGAGCGGCTGC[G>A]GGACAAGAAGCTGGCACCCATCACCTACCCACAGGGCCTGGCCATGGCCCGGGAGATTGG-3'
Protein context (NP_005043.1, residues 120-140): RDDKDTIERL[Arg130Gln]DKKLAPITYP